The following is an entry in ClinVar:

NM_018124.4(RFWD3):c.1297A>G (p.Lys433Glu)

Gene: RFWD3 (ring finger and WD repeat domain 3; minus strand). Cytogenetic location: 16q23.1.
Variant type: single nucleotide variant.
Coding change: c.1297A>G on transcript NM_018124.4 (MANE Select); coding-DNA position 1297, A replaced by G.
Protein change: p.Lys433Glu; replaces lysine 433 with glutamic acid.
Molecular consequence: missense variant.
Genome position (GRCh38, 1-based): chr16:74,636,475, T>C on the plus strand (A>G on the coding strand, the complement: RFWD3 is on the minus strand). VCF-style: chr16-74636475-T-C. GRCh37 (hg19) VCF-style: chr16-74670373-T-C.
Other names: c.1297A>G, p.Lys433Glu (NM_001370534.1, NM_001370535.1, NM_001370536.1); c.463A>G, p.Lys155Glu (NM_001370537.1, NM_001370539.1, NM_001370540.1 and 2 more transcripts); short protein forms K155E, K433E.
Identifiers: ClinVar variation 3698346 (VCV003698346.2).

ClinVar aggregate classification (germline): Uncertain significance (1 of 4 stars; one submission).

gnomAD v4.1: 29 of 1,613,994 alleles (0.0018%); highest among the groups gnomAD compares: South Asian, 0.03%; no homozygotes.

Submission:

Labcorp Genetics (formerly Invitae), Labcorp
Classification: Uncertain significance. Last evaluated: 2025-07-17. Review status: criteria provided, single submitter. Criteria: Invitae Variant Classification Sherloc (09022015). Collection method: clinical testing. Allele origin: germline.
Comment: This sequence change replaces lysine, which is basic and polar, with glutamic acid, which is acidic and polar, at codon 433 of the RFWD3 protein (p.Lys433Glu). This variant is present in population databases (rs771380114, gnomAD 0.04%). This variant has not been reported in the literature in individuals affected with RFWD3-related conditions. ClinVar contains an entry for this variant (Variation ID: 3698346). An algorithm developed to predict the effect of missense changes on protein structure and function (PolyPhen-2) suggests that this variant is likely to be tolerated. In summary, the available evidence is currently insufficient to determine the role of this variant in disease. Therefore, it has been classified as a Variant of Uncertain Significance.